The following is an entry in ClinVar:

ClinVar aggregate classification (germline): Uncertain significance (1 of 4 stars; one submission).

Conditions:
Fanconi anemia (FA). Also called: Fanconi's anemia. Identifiers: Orphanet 84, MedGen C0015625, MeSH D005199, MONDO:0019391.

Allele frequency attached by ClinVar (database versions not stated): ExAC 0.00001.
gnomAD v4.1: 1 of 1,614,164 alleles (0.000062%); highest among the groups gnomAD compares: Non-Finnish European, 0.000085%; no homozygotes.

Submission:

Labcorp Genetics (formerly Invitae), Labcorp
Classification: Uncertain significance for Fanconi anemia. Last evaluated: 2023-05-01. Review status: criteria provided, single submitter. Criteria: Invitae Variant Classification Sherloc (09022015). Collection method: clinical testing. Allele origin: germline.
Comment: In summary, the available evidence is currently insufficient to determine the role of this variant in disease. Therefore, it has been classified as a Variant of Uncertain Significance. Advanced modeling of protein sequence and biophysical properties (such as structural, functional, and spatial information, amino acid conservation, physicochemical variation, residue mobility, and thermodynamic stability) performed at Invitae indicates that this missense variant is expected to disrupt FANCI protein function. This variant has not been reported in the literature in individuals affected with FANCI-related conditions. This variant is present in population databases (rs756577357, gnomAD 0.0009%). This sequence change replaces leucine, which is neutral and non-polar, with valine, which is neutral and non-polar, at codon 127 of the FANCI protein (p.Leu127Val).

NM_001113378.2(FANCI):c.379T>G (p.Leu127Val)

Gene: FANCI (FA complementation group I; plus strand). Cytogenetic location: 15q26.1.
Variant type: single nucleotide variant.
Coding change: c.379T>G on transcript NM_001113378.2 (MANE Select); coding-DNA position 379, T replaced by G.
Protein change: p.Leu127Val; replaces leucine 127 with valine.
Molecular consequence: missense variant.
Genome position (GRCh38, 1-based): chr15:89,261,675, T>G. VCF-style: chr15-89261675-T-G. GRCh37 (hg19) VCF-style: chr15-89804906-T-G.
Other names: c.100T>G, p.Leu34Val (NM_001376910.1); c.379T>G, p.Leu127Val (NM_001376911.1, NM_018193.3); short protein forms L127V, L34V.
Identifiers: ClinVar variation 2781758 (VCV002781758.1), dbSNP rs756577357, ClinGen allele CA7722598.